The following is an entry in ClinVar:

NM_000492.4(CFTR):c.1736A>C (p.Asp579Ala)

Gene: CFTR (CF transmembrane conductance regulator; plus strand). Cytogenetic location: 7q31.2.
Variant type: single nucleotide variant.
Coding change: c.1736A>C on transcript NM_000492.4 (MANE Select); coding-DNA position 1736, A replaced by C.
Protein change: p.Asp579Ala; replaces aspartic acid 579 with alanine.
Molecular consequence: missense variant.
Genome position (GRCh38, 1-based): chr7:117,590,409, A>C. VCF-style: chr7-117590409-A-C. GRCh37 (hg19) VCF-style: chr7-117230463-A-C.
Other names: short protein forms D579A.
Identifiers: ClinVar variation 3233738 (VCV003233738.2), dbSNP rs397508288, ClinGen allele CA326642.

ClinVar aggregate classification (germline): Uncertain significance (1 of 4 stars; one submission).

Submission:

Women's Health and Genetics/Laboratory Corporation of America, LabCorp
Classification: Uncertain significance. Last evaluated: 2024-03-27. Review status: criteria provided, single submitter. Criteria: LabCorp Variant Classification Summary - May 2015. Collection method: clinical testing. Allele origin: germline.
Comment: Variant summary: CFTR c.1736A>C (p.Asp579Ala) results in a non-conservative amino acid change located in the ABC transporter-like, ATP-binding domain (IPR003439) of the encoded protein sequence. Four of four in-silico tools predict a damaging effect of the variant on protein function. The variant was absent in 250214 control chromosomes (gnomAD). The available data on variant occurrences in the general population are insufficient to allow any conclusion about variant significance. To our knowledge, no occurrence of c.1736A>C in individuals affected with Cystic Fibrosis and no experimental evidence demonstrating its impact on protein function have been reported in the literature, although the CFTR Locus-specific database reports a patient who had the variant in trans with a pathogenic variant. Another missense change affecting this amino acid has been determined to be pathogenic, suggesting this is a functionally important residue. No submitters have cited clinical-significance assessments for this variant to ClinVar. Based on the evidence outlined above, the variant was classified as VUS-possibly pathogenic.